The following is an entry in ClinVar:

ClinVar aggregate classification (germline): Uncertain significance (1 of 4 stars; one submission).

Conditions:
Familial adenomatous polyposis 1 (FAP1). Also called: FAMILIAL ADENOMATOUS POLYPOSIS 1, ATTENUATED; POLYPOSIS, ADENOMATOUS INTESTINAL. Identifiers: MedGen C2713442, MONDO:0021056, OMIM 175100. Disease mechanism: loss of function.

Submission:

Labcorp Genetics (formerly Invitae), Labcorp
Classification: Uncertain significance for Familial adenomatous polyposis 1. Last evaluated: 2026-01-06. Review status: criteria provided, single submitter. Criteria: Invitae Variant Classification Sherloc (09022015). Collection method: clinical testing. Allele origin: germline.
Comment: This sequence change replaces glutamic acid, which is acidic and polar, with valine, which is neutral and non-polar, at codon 918 of the APC protein (p.Glu918Val). This variant is not present in population databases (gnomAD no frequency). This variant has not been reported in the literature in individuals affected with APC-related conditions. Invitae Evidence Modeling of protein sequence and biophysical properties (such as structural, functional, and spatial information, amino acid conservation, physicochemical variation, residue mobility, and thermodynamic stability) indicates that this missense variant is not expected to disrupt APC protein function with a negative predictive value of 95%. In summary, the available evidence is currently insufficient to determine the role of this variant in disease. Therefore, it has been classified as a Variant of Uncertain Significance.

NM_000038.6(APC):c.2753A>T (p.Glu918Val)

Gene: APC (APC regulator of Wnt signaling pathway; plus strand). Cytogenetic location: 5q22.2.
Variant type: single nucleotide variant.
Coding change: c.2753A>T on transcript NM_000038.6 (MANE Select); coding-DNA position 2753, A replaced by T.
Protein change: p.Glu918Val; replaces glutamic acid 918 with valine.
Molecular consequence: missense variant. On other transcripts: non-coding transcript variant (2).
Genome position (GRCh38, 1-based): chr5:112,838,347, A>T. VCF-style: chr5-112838347-A-T. GRCh37 (hg19) VCF-style: chr5-112174044-A-T.
Other names: c.2753A>T, p.Glu918Val (NM_001127510.3, NM_001354895.2, NM_001407450.1); c.2699A>T, p.Glu900Val (NM_001127511.3); c.2807A>T, p.Glu936Val (NM_001354896.2, NM_001407447.1, NM_001407448.1 and 1 more transcripts); c.2783A>T, p.Glu928Val (NM_001354897.2); c.2678A>T, p.Glu893Val (NM_001354898.2); c.2669A>T, p.Glu890Val (NM_001354899.2); c.2630A>T, p.Glu877Val (NM_001354900.2); c.2576A>T, p.Glu859Val (NM_001354901.2, NM_001407453.1); and 11 more; short protein forms E946V, E758V, E789V, E792V, E817V, E835V, E908V, E911V.
Identifiers: ClinVar variation 4774398 (VCV004774398.1).